The following is an entry in ClinVar:

ClinVar aggregate classification (germline): Uncertain significance (1 of 4 stars; one submission).

Conditions:
Inborn genetic diseases. Identifiers: MedGen C0950123, MeSH D030342.

Submission:

Ambry Genetics
Classification: Uncertain significance for Inborn genetic diseases. Last evaluated: 2024-09-05. Review status: criteria provided, single submitter. Criteria: Ambry Variant Classification Scheme 2023. Collection method: clinical testing. Allele origin: germline.
Comment: The p.N657I variant (also known as c.1970A>T), located in coding exon 9 of the ATR gene, results from an A to T substitution at nucleotide position 1970. The asparagine at codon 657 is replaced by isoleucine, an amino acid with dissimilar properties. This amino acid position is conserved. In addition, this alteration is predicted to be tolerated by in silico analysis. Since supporting evidence is limited at this time, the clinical significance of this alteration remains unclear.

NM_001184.4(ATR):c.1970A>T (p.Asn657Ile)

Gene: ATR (ATR checkpoint kinase; minus strand). Cytogenetic location: 3q23.
Variant type: single nucleotide variant.
Coding change: c.1970A>T on transcript NM_001184.4 (MANE Select); coding-DNA position 1970, A replaced by T.
Protein change: p.Asn657Ile; replaces asparagine 657 with isoleucine.
Molecular consequence: missense variant.
Genome position (GRCh38, 1-based): chr3:142,556,491, T>A on the plus strand (A>T on the coding strand, the complement: ATR is on the minus strand). VCF-style: chr3-142556491-T-A. GRCh37 (hg19) VCF-style: chr3-142275333-T-A.
Other names: c.1778A>T, p.Asn593Ile (NM_001354579.2); short protein forms N657I, N593I.
Identifiers: ClinVar variation 1783608 (VCV001783608.3), dbSNP rs751784259, ClinGen allele CA354819380.